The following is an entry in ClinVar:

NM_015166.4(MLC1):c.771+5G>A

Gene: MLC1 (modulator of VRAC current 1; minus strand). Cytogenetic location: 22q13.33.
Variant type: single nucleotide variant.
Coding change: c.771+5G>A on transcript NM_015166.4 (MANE Select); 5 bases into the intron after coding-DNA position 771, G replaced by A.
Molecular consequence: intron variant.
Genome position (GRCh38, 1-based): chr22:50,070,522, C>T on the plus strand (G>A on the coding strand, the complement: MLC1 is on the minus strand). VCF-style: chr22-50070522-C-T. GRCh37 (hg19) VCF-style: chr22-50508951-C-T.
Other names: c.771+5G>A (NM_001376474.1, NM_001376475.1, NM_001376476.1 and 5 more transcripts); c.534+5G>A (NM_001376484.1); c.681+5G>A (NM_001376480.1); c.615+5G>A (NM_001376482.1, NM_001376483.1); c.669+5G>A (NM_001376481.1); c.715-1967G>A (NM_001376479.1).
Identifiers: ClinVar variation 2004627 (VCV002004627.4), dbSNP rs2518502056, ClinGen allele CA2580099908.

ClinVar aggregate classification (germline): Uncertain significance (1 of 4 stars; one submission).

Submission:

Labcorp Genetics (formerly Invitae), Labcorp
Classification: Uncertain significance. Last evaluated: 2022-06-18. Review status: criteria provided, single submitter. Criteria: Invitae Variant Classification Sherloc (09022015). Collection method: clinical testing. Allele origin: germline.
Comment: In summary, the available evidence is currently insufficient to determine the role of this variant in disease. Therefore, it has been classified as a Variant of Uncertain Significance. Variants that disrupt the consensus splice site are a relatively common cause of aberrant splicing (PMID: 17576681, 9536098). Algorithms developed to predict the effect of sequence changes on RNA splicing suggest that this variant may disrupt the consensus splice site. This variant has been observed in individual(s) with clinical features of megalencephalic leukoencephalopathy with subcortical cysts (Invitae). This variant is not present in population databases (gnomAD no frequency). This sequence change falls in intron 9 of the MLC1 gene. It does not directly change the encoded amino acid sequence of the MLC1 protein. It affects a nucleotide within the consensus splice site.

Literature cited by the submitters: PubMed 17576681; PubMed 9536098.